The following is an entry in ClinVar:

ClinVar aggregate classification (germline): Conflicting classifications of pathogenicity. Review status: criteria provided, conflicting classifications (1 of 4 stars). 5 submissions from 5 submitters: Uncertain significance (3); Likely benign (2). Last evaluated 2026-03-01.

Conditions:
Coffin-Siris syndrome 1 (CSS1). Also called: ARID1B-Related Coffin-Siris Syndrome; Mental retardation, autosomal dominant 12. Identifiers: Orphanet 1465, MedGen C3281201, MONDO:0007617, OMIM 135900. Disease mechanism: gain of function.

Submissions (5):

CeGaT Center for Human Genetics Tuebingen
Classification: Likely benign. Last evaluated: 2026-03-01. Review status: criteria provided, single submitter. Criteria: CeGaT Center For Human Genetics Tuebingen Variant Classification Criteria Version 2. Collection method: clinical testing. Allele origin: germline. Affected: yes. Observed: 1 variant allele.
Comment: ARID1B: BP3

Blueprint Genetics
Classification: Likely benign. Last evaluated: 2024-11-13. Review status: criteria provided, single submitter. Criteria: ACMG Guidelines, 2015. Collection method: clinical testing. Allele origin: germline.

Labcorp Genetics (formerly Invitae), Labcorp
Classification: Uncertain significance. Last evaluated: 2024-02-22. Review status: criteria provided, single submitter. Criteria: Invitae Variant Classification Sherloc (09022015). Collection method: clinical testing. Allele origin: germline.
Comment: This variant, c.348_362dup, results in the insertion of 5 amino acid(s) of the ARID1B protein (p.Gln127_Gln131dup), but otherwise preserves the integrity of the reading frame. This variant is not present in population databases (gnomAD no frequency). This variant has not been reported in the literature in individuals affected with ARID1B-related conditions. ClinVar contains an entry for this variant (Variation ID: 2439186). In summary, the available evidence is currently insufficient to determine the role of this variant in disease. Therefore, it has been classified as a Variant of Uncertain Significance.

GeneDx
Classification: Uncertain significance. Last evaluated: 2023-03-27. Review status: criteria provided, single submitter. Criteria: GeneDx Variant Classification Process June 2021. Collection method: clinical testing. Allele origin: germline. Affected: yes.
Comment: In-frame insertion of 5 amino acids in a repetitive region with no known function; Has not been previously published as pathogenic or benign to our knowledge

Revvity Omics, Revvity
Classification: Uncertain significance for Coffin-Siris syndrome 1. Last evaluated: 2022-06-06. Review status: criteria provided, single submitter. Criteria: ACMG Guidelines, 2015. Collection method: clinical testing. Allele origin: germline.

NM_001374828.1(ARID1B):c.591GCA[12] (p.Gln214_His215insGlnGlnGlnGlnGln)

Genes: ARID1B (AT-rich interaction domain 1B; plus strand), LOC115308161 (uncharacterized LOC115308161; minus strand). Cytogenetic location: 6q25.3.
Variant type: Microsatellite.
Coding change: c.591GCA[12] on transcript NM_001374828.1 (MANE Select); 12 copies in a row of the 3-base unit GCA starting at c.591; the reference has seven copies in a row; five copies, 15 bases duplicated.
Protein change: p.Gln214_His215insGlnGlnGlnGlnGln.
Molecular consequence: inframe insertion. On other transcripts: inframe indel (1), non-coding transcript variant (1).
Genome position (GRCh38, 1-based): chr6:156,778,277-156,778,291, GCAGCAGCAGCAGCA duplicated; duplicating any 15 consecutive bases within chr6:156,778,269-156,778,291 gives the same sequence; the position shown is the placement nearest the transcript's 3' end. VCF-style (leftmost placement, unchanged base first): chr6-156778268-C-CCAGCAGCAGCAGCAG. GRCh37 (hg19) VCF-style: chr6-157099402-C-CCAGCAGCAGCAGCAG.
Other names: c.348_362dup (NM_020732.3); c.591GCA[12], p.Gln214_His215insGlnGlnGlnGlnGln (NM_001371656.1, NM_001374820.1, NM_017519.3).
Identifiers: ClinVar variation 2439186 (VCV002439186.10), dbSNP rs587779743, ClinGen allele CA452988923.